The following is an entry in ClinVar:

NM_001372076.1(PAX9):c.140G>C (p.Arg47Pro)

Gene: PAX9 (paired box 9; plus strand). Cytogenetic location: 14q13.3.
Variant type: single nucleotide variant.
Coding change: c.140G>C on transcript NM_001372076.1 (MANE Select); coding-DNA position 140, G replaced by C.
Protein change: p.Arg47Pro; replaces arginine 47 with proline.
Molecular consequence: missense variant.
Genome position (GRCh38, 1-based): chr14:36,663,032, G>C. VCF-style: chr14-36663032-G-C. GRCh37 (hg19) VCF-style: chr14-37132237-G-C.
Other names: c.140G>C, p.Arg47Pro (NM_006194.4); short protein forms R47P.
Identifiers: ClinVar variation 1064705 (VCV001064705.2), dbSNP rs1881341880, ClinGen allele CA389466197.

ClinVar aggregate classification (germline): Pathogenic (0 of 4 stars; one submission).

Conditions:
Oligodontia. Identifiers: MedGen C4082304, HP:0000677.

Submission:

Department of Prosthodontics, School and Hospital of Stomatology, Hebei Medical University and Hebei Key Laboratory of Stomatology
Classification: Pathogenic for Oligodontia. Review status: no assertion criteria provided. Collection method: research. Allele origin: unknown. Affected: yes. Observed: 1 variant allele, 1 heterozygote.
Comment: SIFT, Polyphen2 and FATHMM predictions for the mutation were "deleterious" (0.00), "probably damaging" (0.998), and "Deleterious" (-5.87), respectively, suggesting the variant was highly pathogenic.

Literature cited by the submitters: PubMed 29969831.